The following is an entry in ClinVar:

NM_006017.3(PROM1):c.2534G>C (p.Gly845Ala)

Gene: PROM1 (prominin 1; minus strand). Cytogenetic location: 4p15.32.
Variant type: single nucleotide variant.
Coding change: c.2534G>C on transcript NM_006017.3 (MANE Select); coding-DNA position 2534, G replaced by C.
Protein change: p.Gly845Ala; replaces glycine 845 with alanine.
Molecular consequence: missense variant. On other transcripts: intron variant (6).
Genome position (GRCh38, 1-based): chr4:15,979,443, C>G on the plus strand (G>C on the coding strand, the complement: PROM1 is on the minus strand). VCF-style: chr4-15979443-C-G. GRCh37 (hg19) VCF-style: chr4-15981066-C-G.
Other names: c.2513+438G>C (NM_001145849.2); c.2507G>C, p.Gly836Ala (NM_001145847.2, NM_001145848.2, NM_001371406.1); c.2462+979G>C (NM_001145852.2, NM_001371408.1, NM_001371407.1); c.2489+979G>C (NM_001145850.2); c.2486+438G>C (NM_001145851.2); c.2534G>C (NM_006017.2); short protein forms G836A, G845A.
Identifiers: ClinVar variation 3012867 (VCV003012867.4), dbSNP rs1012374414, ClinGen allele CA92565595.

ClinVar aggregate classification (germline): Uncertain significance. Review status: criteria provided, multiple submitters, no conflicts (2 of 4 stars). 2 submissions from 2 submitters: Uncertain significance (2). Last evaluated 2025-04-04.

Conditions:
Inborn genetic diseases. Identifiers: MedGen C0950123, MeSH D030342.

Allele frequency attached by ClinVar (database versions not stated): TOPMed 0.00005.
gnomAD v4.1: 6 of 1,610,788 alleles (0.00037%); highest among the groups gnomAD compares: African/African-American, 0.0067%; no homozygotes.

Submissions (2):

Ambry Genetics
Classification: Uncertain significance for Inborn genetic diseases. Last evaluated: 2025-04-04. Review status: criteria provided, single submitter. Criteria: Ambry Variant Classification Scheme 2023. Collection method: clinical testing. Allele origin: germline.

Labcorp Genetics (formerly Invitae), Labcorp
Classification: Uncertain significance. Last evaluated: 2022-12-09. Review status: criteria provided, single submitter. Criteria: Invitae Variant Classification Sherloc (09022015). Collection method: clinical testing. Allele origin: germline.
Comment: In summary, the available evidence is currently insufficient to determine the role of this variant in disease. Therefore, it has been classified as a Variant of Uncertain Significance. Algorithms developed to predict the effect of missense changes on protein structure and function are either unavailable or do not agree on the potential impact of this missense change (SIFT: "Tolerated"; PolyPhen-2: "Possibly Damaging"; Align-GVGD: "Class C0"). This variant has not been reported in the literature in individuals affected with PROM1-related conditions. This variant is present in population databases (no rsID available, gnomAD 0.01%). This sequence change replaces glycine, which is neutral and non-polar, with alanine, which is neutral and non-polar, at codon 845 of the PROM1 protein (p.Gly845Ala).